The following is an entry in ClinVar:

NM_000372.5(TYR):c.963C>A (p.Cys321Ter)

Gene: TYR (tyrosinase; plus strand). Cytogenetic location: 11q14.3.
Variant type: single nucleotide variant.
Coding change: c.963C>A on transcript NM_000372.5 (MANE Select); coding-DNA position 963, C replaced by A.
Protein change: p.Cys321Ter; replaces cysteine 321 with a stop codon.
Molecular consequence: nonsense.
Genome position (GRCh38, 1-based): chr11:89,191,345, C>A. VCF-style: chr11-89191345-C-A. GRCh37 (hg19) VCF-style: chr11-88924513-C-A.
Other names: short protein forms C321*.
Identifiers: ClinVar variation 2706105 (VCV002706105.4), dbSNP rs2135253360, ClinGen allele CA382035963.

ClinVar aggregate classification (germline): Pathogenic. Review status: criteria provided, multiple submitters, no conflicts (2 of 4 stars). 2 submissions from 2 submitters: Pathogenic (2). Last evaluated 2024-07-01.

Conditions:
Oculocutaneous albinism type 1. Also called: Albinism 1; ALBINISM I. Identifiers: Orphanet 352731, MedGen C0268494, MONDO:0018135. Disease mechanism: loss of function.

Submissions (2):

Myriad Genetics, Inc.
Classification: Pathogenic for Oculocutaneous albinism type 1. Last evaluated: 2024-07-01. Review status: criteria provided, single submitter. Criteria: Myriad Autosomal Dominant, Autosomal Recessive and X-Linked Classification Criteria (2023). Collection method: clinical testing. Allele origin: unknown.
Comment: NM_000372.4(TYR):c.963C>A(C321*) is expected to be pathogenic in the context of oculocutaneous albinism, TYR-related. This variant is predicted to lead to an abnormal or absent protein product due to the creation of a premature termination codon in TYR, a gene where loss-of-function variants are known to be pathogenic. Please note: this variant was assessed in the context of healthy population screening.

Labcorp Genetics (formerly Invitae), Labcorp
Classification: Pathogenic. Last evaluated: 2023-12-28. Review status: criteria provided, single submitter. Criteria: Invitae Variant Classification Sherloc (09022015). Collection method: clinical testing. Allele origin: germline.
Comment: This sequence change creates a premature translational stop signal (p.Cys321*) in the TYR gene. It is expected to result in an absent or disrupted protein product. Loss-of-function variants in TYR are known to be pathogenic (PMID: 23504663). This variant is not present in population databases (gnomAD no frequency). This variant has not been reported in the literature in individuals affected with TYR-related conditions. For these reasons, this variant has been classified as Pathogenic.

Literature cited by the submitters: PubMed 23504663 (cited by Labcorp Genetics (formerly Invitae), Labcorp).